The following is an entry in ClinVar:

ClinVar aggregate classification (germline): Uncertain significance (1 of 4 stars; one submission).

Conditions:
Hereditary sensory and autonomic neuropathy type 6. Also called: HSAN VI; Neuropathy, hereditary sensory and autonomic, type VI. Identifiers: Orphanet 314381, MedGen C3539003, MONDO:0013839, OMIM 614653.
Epidermolysis bullosa simplex 3, localized or generalized intermediate, with BP230 deficiency (EBS3). Also called: Epidermolysis bullosa simplex due to BP230 deficiency; Epidermolysis bullosa simplex, autosomal recessive 2. Identifiers: Orphanet 412181, MedGen C3809470, MONDO:0014180, OMIM 615425.

Submission:

Labcorp Genetics (formerly Invitae), Labcorp
Classification: Uncertain significance for Epidermolysis bullosa simplex 3, localized or generalized intermediate, with BP230 deficiency; Hereditary sensory and autonomic neuropathy type 6. Last evaluated: 2021-03-11. Review status: criteria provided, single submitter. Criteria: Invitae Variant Classification Sherloc (09022015). Collection method: clinical testing. Allele origin: germline.
Comment: This variant has not been reported in the literature in individuals with DST-related conditions. In summary, the available evidence is currently insufficient to determine the role of this variant in disease. Therefore, it has been classified as a Variant of Uncertain Significance. Algorithms developed to predict the effect of missense changes on protein structure and function (SIFT, PolyPhen-2, Align-GVGD) all suggest that this variant is likely to be disruptive, but these predictions have not been confirmed by published functional studies and their clinical significance is uncertain. This variant is not present in population databases (ExAC no frequency). This sequence change replaces proline with serine at codon 617 of the DST protein (p.Pro617Ser). The proline residue is highly conserved and there is a moderate physicochemical difference between proline and serine.

NM_001374736.1(DST):c.3460C>T (p.Pro1154Ser)

Gene: DST (dystonin; minus strand). Cytogenetic location: 6p12.1.
Variant type: single nucleotide variant.
Coding change: c.3460C>T on transcript NM_001374736.1 (MANE Select); coding-DNA position 3460, C replaced by T.
Protein change: p.Pro1154Ser; replaces proline 1154 with serine.
Molecular consequence: missense variant.
Genome position (GRCh38, 1-based): chr6:56,634,496, G>A on the plus strand (C>T on the coding strand, the complement: DST is on the minus strand). VCF-style: chr6-56634496-G-A. GRCh37 (hg19) VCF-style: chr6-56499294-G-A.
Other names: c.3361C>T, p.Pro1121Ser (NM_001144769.5); c.2947C>T, p.Pro983Ser (NM_001144770.2); c.3460C>T, p.Pro1154Ser (NM_001374722.1); c.2827C>T, p.Pro943Ser (NM_001374729.1, NM_001374730.1, NM_001386100.1 and 1 more transcripts); c.3487C>T, p.Pro1163Ser (NM_001374734.1); c.1849C>T, p.Pro617Ser (NM_001723.7, NM_015548.5); short protein forms P617S, P983S, P1163S, P943S, P1121S, P1154S.
Identifiers: ClinVar variation 1364026 (VCV001364026.8), dbSNP rs2152765455, ClinGen allele CA364575896.